The following is an entry in ClinVar:

ClinVar aggregate classification (germline): Uncertain significance (1 of 4 stars; one submission).

Conditions:
Singleton-Merten syndrome 1 (SGMRT1). Also called: Widened medullary cavities of bone, aortic calcification, abnormal dentition, and muscular weakness; Syndrome of widened medullary cavities of the metacarpals and phalanges, aortic calcification and abnormal dentition. Identifiers: Orphanet 85191, MedGen C4225427, MONDO:0024535, OMIM 182250.
Aicardi-Goutieres syndrome 7 (AGS7). Identifiers: Orphanet 51, MedGen C3888244, MONDO:0014367, OMIM 615846.

gnomAD v4.1: 1 of 1,612,840 alleles (0.000062%); highest among the groups gnomAD compares: African/African-American, 0.0013%; no homozygotes.

Submission:

Labcorp Genetics (formerly Invitae), Labcorp
Classification: Uncertain significance for Aicardi-Goutieres syndrome 7; Singleton-Merten syndrome 1. Last evaluated: 2023-06-04. Review status: criteria provided, single submitter. Criteria: Invitae Variant Classification Sherloc (09022015). Collection method: clinical testing. Allele origin: germline.
Comment: In summary, the available evidence is currently insufficient to determine the role of this variant in disease. Therefore, it has been classified as a Variant of Uncertain Significance. Algorithms developed to predict the effect of missense changes on protein structure and function output the following: SIFT: "Not Available"; PolyPhen-2: "Benign"; Align-GVGD: "Not Available". The valine amino acid residue is found in multiple mammalian species, which suggests that this missense change does not adversely affect protein function. This variant has not been reported in the literature in individuals affected with IFIH1-related conditions. This variant is not present in population databases (gnomAD no frequency). This sequence change replaces isoleucine, which is neutral and non-polar, with valine, which is neutral and non-polar, at codon 342 of the IFIH1 protein (p.Ile342Val).

NM_022168.4(IFIH1):c.1024A>G (p.Ile342Val)

Gene: IFIH1 (interferon induced with helicase C domain 1; minus strand). Cytogenetic location: 2q24.2.
Variant type: single nucleotide variant.
Coding change: c.1024A>G on transcript NM_022168.4 (MANE Select); coding-DNA position 1024, A replaced by G.
Protein change: p.Ile342Val; replaces isoleucine 342 with valine.
Molecular consequence: missense variant.
Genome position (GRCh38, 1-based): chr2:162,288,206, T>C on the plus strand (A>G on the coding strand, the complement: IFIH1 is on the minus strand). VCF-style: chr2-162288206-T-C. GRCh37 (hg19) VCF-style: chr2-163144716-T-C.
Other names: short protein forms I342V.
Identifiers: ClinVar variation 2938334 (VCV002938334.3), dbSNP rs2468971323, ClinGen allele CA349004677.